The following is an entry in ClinVar:

ClinVar aggregate classification (germline): Likely benign (1 of 4 stars; one submission).

Allele frequency attached by ClinVar (database versions not stated): ESP Exome Variant Server 0.00008; ExAC 0.00001; TOPMed 0.00002; gnomAD 0.00003.
gnomAD v4.1: 17 of 1,595,440 alleles (0.0011%); highest among the groups gnomAD compares: African/African-American, 0.0027%; no homozygotes.

Submission:

CeGaT Center for Human Genetics Tuebingen
Classification: Likely benign. Last evaluated: 2022-08-01. Review status: criteria provided, single submitter. Criteria: CeGaT Center For Human Genetics Tuebingen Variant Classification Criteria Version 2. Collection method: clinical testing. Allele origin: germline. Affected: yes. Observed: 1 variant allele.
Comment: RBMS1: BP4

NM_016836.4(RBMS1):c.560+5G>A

Gene: RBMS1 (RNA binding motif single stranded interacting protein 1; minus strand). Cytogenetic location: 2q24.2.
Variant type: single nucleotide variant.
Coding change: c.560+5G>A on transcript NM_016836.4 (MANE Select); 5 bases into the intron after coding-DNA position 560, G replaced by A.
Molecular consequence: intron variant.
Genome position (GRCh38, 1-based): chr2:160,303,325, C>T on the plus strand (G>A on the coding strand, the complement: RBMS1 is on the minus strand). VCF-style: chr2-160303325-C-T. GRCh37 (hg19) VCF-style: chr2-161159836-C-T.
Other names: c.560+5G>A (NM_002897.5).
Identifiers: ClinVar variation 2651465 (VCV002651465.24), dbSNP rs376797676, ClinGen allele CA1929978.